The following is an entry in ClinVar:

NM_001378452.1(ITPR1):c.3206C>T (p.Thr1069Ile)

Gene: ITPR1 (inositol 1,4,5-trisphosphate receptor type 1; plus strand). Cytogenetic location: 3p26.1.
Variant type: single nucleotide variant.
Coding change: c.3206C>T on transcript NM_001378452.1 (MANE Select); coding-DNA position 3206, C replaced by T.
Protein change: p.Thr1069Ile; replaces threonine 1069 with isoleucine.
Molecular consequence: missense variant.
Genome position (GRCh38, 1-based): chr3:4,683,430, C>T. VCF-style: chr3-4683430-C-T. GRCh37 (hg19) VCF-style: chr3-4725114-C-T.
Other names: c.3179C>T, p.Thr1060Ile (NM_001099952.4); c.3161C>T, p.Thr1054Ile (NM_001168272.2); c.3134C>T, p.Thr1045Ile (NM_002222.7); short protein forms T1054I, T1045I, T1060I, T1069I.
Identifiers: ClinVar variation 1028568 (VCV001028568.8), dbSNP rs747698039, ClinGen allele CA2231626.

ClinVar aggregate classification (germline): Uncertain significance. Review status: criteria provided, multiple submitters, no conflicts (2 of 4 stars). 2 submissions from 2 submitters: Uncertain significance (2). Last evaluated 2025-08-06.

Conditions:
Spinocerebellar ataxia type 15/16 (SCA15). Also called: Spinocerebellar Ataxia Type 15. Identifiers: Orphanet 98769, MedGen C1847725, MONDO:0011694, OMIM 606658.

Allele frequency attached by ClinVar (database versions not stated): ExAC 0.00001; gnomAD exomes 0.00001; TOPMed 0.00001.
gnomAD v4.1: 8 of 1,614,052 alleles (0.0005%); highest among the groups gnomAD compares: Middle Eastern, 0.049%; no homozygotes.

Submissions (2):

Labcorp Genetics (formerly Invitae), Labcorp
Classification: Uncertain significance. Last evaluated: 2025-08-06. Review status: criteria provided, single submitter. Criteria: Invitae Variant Classification Sherloc (09022015). Collection method: clinical testing. Allele origin: germline.
Comment: This sequence change replaces threonine, which is neutral and polar, with isoleucine, which is neutral and non-polar, at codon 1045 of the ITPR1 protein (p.Thr1045Ile). This variant is present in population databases (rs747698039, gnomAD 0.006%). This variant has not been reported in the literature in individuals affected with ITPR1-related conditions. ClinVar contains an entry for this variant (Variation ID: 1028568). Invitae Evidence Modeling of protein sequence and biophysical properties (such as structural, functional, and spatial information, amino acid conservation, physicochemical variation, residue mobility, and thermodynamic stability) indicates that this missense variant is not expected to disrupt ITPR1 protein function with a negative predictive value of 95%. In summary, the available evidence is currently insufficient to determine the role of this variant in disease. Therefore, it has been classified as a Variant of Uncertain Significance.

Baylor Genetics
Classification: Uncertain significance for Spinocerebellar ataxia type 15/16. Last evaluated: 2019-11-20. Review status: criteria provided, single submitter. Criteria: ACMG Guidelines, 2015. Collection method: clinical testing. Allele origin: unknown. Affected: yes.
Comment: This variant was determined to be of uncertain significance according to ACMG Guidelines, 2015 [PMID:25741868].